The following is an entry in ClinVar:

ClinVar aggregate classification (germline): Pathogenic (1 of 4 stars; one submission).

Submission:

Labcorp Genetics (formerly Invitae), Labcorp
Classification: Pathogenic. Last evaluated: 2022-04-03. Review status: criteria provided, single submitter. Criteria: Invitae Variant Classification Sherloc (09022015). Collection method: clinical testing. Allele origin: germline.
Comment: For these reasons, this variant has been classified as Pathogenic. This variant has not been reported in the literature in individuals affected with LOXHD1-related conditions. This variant is not present in population databases (gnomAD no frequency). This sequence change creates a premature translational stop signal (p.Ile332Serfs*27) in the LOXHD1 gene. It is expected to result in an absent or disrupted protein product. Loss-of-function variants in LOXHD1 are known to be pathogenic (PMID: 19732867, 21465660, 25792669).

Literature cited by the submitters: PubMed 19732867; PubMed 21465660; PubMed 25792669.

NM_001384474.1(LOXHD1):c.994del (p.Ile332fs)

Gene: LOXHD1 (lipoxygenase homology PLAT domains 1; minus strand). Cytogenetic location: 18q21.1.
Variant type: Deletion.
Coding change: c.994del on transcript NM_001384474.1 (MANE Select); coding-DNA position 994, one base deleted (A; older notation c.994delA).
Protein change: p.Ile332fs; shifts the reading frame from isoleucine 332.
Molecular consequence: frameshift variant.
Genome position (GRCh38, 1-based): chr18:46,601,357, T deleted on the plus strand (A on the coding strand, the reverse complement: LOXHD1 is on the minus strand); the first of 4 consecutive T bases (chr18:46,601,357-46,601,360); deleting any one gives the same sequence. VCF-style (leftmost placement, unchanged base first): chr18-46601356-AT-A. GRCh37 (hg19) VCF-style: chr18-44181319-AT-A.
Other names: c.994del, p.Ile332fs (NM_144612.7); short protein forms I332fs.
Identifiers: ClinVar variation 2121045 (VCV002121045.4), dbSNP rs1461414910, ClinGen allele CA2580095738.
Genomic context (GRCh38, chr18:46,601,356, plus strand): 5'-GCCAGCTCGATGTGGAAGATGTCCGTGCGGCCTCGGTCAAACACGCCGCCCTCCAGGAAG[AT>A]TTTCCCACTGTTCTTATTCCCTCTGGCCCCATACATGACCAAGTAGATTTTGGATTTGGT-3'